The following is an entry in ClinVar:

ClinVar aggregate classification (germline): Uncertain significance. Review status: criteria provided, multiple submitters, no conflicts (2 of 4 stars). 2 submissions from 2 submitters: Uncertain significance (2). Last evaluated 2021-12-02.

Conditions:
Inborn genetic diseases. Identifiers: MedGen C0950123, MeSH D030342.
Vici syndrome (VICIS). Identifiers: Orphanet 1493, MedGen C1855772, MONDO:0009452, OMIM 242840.

Allele frequency attached by ClinVar (database versions not stated): gnomAD exomes below 0.00001; ExAC 0.00001; gnomAD 0.00002; TOPMed 0.00002; 1000 Genomes Project 30x 0.00016.
gnomAD v4.1: 7 of 1,609,452 alleles (0.00043%); highest among the groups gnomAD compares: African/African-American, 0.008%; no homozygotes.

Submissions (2):

Labcorp Genetics (formerly Invitae), Labcorp
Classification: Uncertain significance for Vici syndrome. Last evaluated: 2021-12-02. Review status: criteria provided, single submitter. Criteria: Invitae Variant Classification Sherloc (09022015). Collection method: clinical testing. Allele origin: germline.
Comment: This sequence change replaces phenylalanine, which is neutral and non-polar, with leucine, which is neutral and non-polar, at codon 594 of the EPG5 protein (p.Phe594Leu). This variant is present in population databases (no rsID available, gnomAD 0.008%). This variant has not been reported in the literature in individuals affected with EPG5-related conditions. Algorithms developed to predict the effect of missense changes on protein structure and function output the following: SIFT: "Tolerated"; PolyPhen-2: "Probably Damaging"; Align-GVGD: "Class C0". The leucine amino acid residue is found in multiple mammalian species, which suggests that this missense change does not adversely affect protein function. In summary, the available evidence is currently insufficient to determine the role of this variant in disease. Therefore, it has been classified as a Variant of Uncertain Significance.

Ambry Genetics
Classification: Uncertain significance for Inborn genetic diseases. Last evaluated: 2021-06-21. Review status: criteria provided, single submitter. Criteria: Ambry Variant Classification Scheme 2023. Collection method: clinical testing. Allele origin: germline.

NM_020964.3(EPG5):c.1782T>G (p.Phe594Leu)

Gene: EPG5 (ectopic P-granules 5 autophagy tethering factor; minus strand). Cytogenetic location: 18q21.1.
Variant type: single nucleotide variant.
Coding change: c.1782T>G on transcript NM_020964.3 (MANE Select); coding-DNA position 1782, T replaced by G.
Protein change: p.Phe594Leu; replaces phenylalanine 594 with leucine.
Molecular consequence: missense variant.
Genome position (GRCh38, 1-based): chr18:45,944,015, A>C on the plus strand (T>G on the coding strand, the complement: EPG5 is on the minus strand). VCF-style: chr18-45944015-A-C. GRCh37 (hg19) VCF-style: chr18-43523981-A-C.
Other names: c.1782T>G (NM_020964.2); short protein forms F594L.
Identifiers: ClinVar variation 1371027 (VCV001371027.5), dbSNP rs888785002, ClinGen allele CA8949617.